The following is an entry in ClinVar:

NM_001378964.1(CDON):c.3133G>A (p.Gly1045Ser)

Gene: CDON (cell adhesion associated, oncogene regulated; minus strand). Cytogenetic location: 11q24.2.
Variant type: single nucleotide variant.
Coding change: c.3133G>A on transcript NM_001378964.1 (MANE Select); coding-DNA position 3133, G replaced by A.
Protein change: p.Gly1045Ser; replaces glycine 1045 with serine.
Molecular consequence: missense variant.
Genome position (GRCh38, 1-based): chr11:125,981,192, C>T on the plus strand (G>A on the coding strand, the complement: CDON is on the minus strand). VCF-style: chr11-125981192-C-T. GRCh37 (hg19) VCF-style: chr11-125851087-C-T.
Other names: c.3133G>A, p.Gly1045Ser (NM_001243597.3, NM_001441161.1, NM_001441162.1 and 5 more transcripts); short protein forms G1045S.
Identifiers: ClinVar variation 4737554 (VCV004737554.1).

ClinVar aggregate classification (germline): Uncertain significance (1 of 4 stars; one submission).

Conditions:
Holoprosencephaly 11 (HPE11). Identifiers: Orphanet 2162, MedGen C3280215, MONDO:0013642, OMIM 614226.

gnomAD v4.1: 13 of 1,614,082 alleles (0.00081%); highest among the groups gnomAD compares: African/African-American, 0.015%; no homozygotes.

Submission:

Labcorp Genetics (formerly Invitae), Labcorp
Classification: Uncertain significance for Holoprosencephaly 11. Last evaluated: 2025-07-24. Review status: criteria provided, single submitter. Criteria: Invitae Variant Classification Sherloc (09022015). Collection method: clinical testing. Allele origin: germline.
Comment: This sequence change replaces glycine, which is neutral and non-polar, with serine, which is neutral and polar, at codon 1045 of the CDON protein (p.Gly1045Ser). This variant is present in population databases (rs751414543, gnomAD 0.02%). This variant has not been reported in the literature in individuals affected with CDON-related conditions. Invitae Evidence Modeling of protein sequence and biophysical properties (such as structural, functional, and spatial information, amino acid conservation, physicochemical variation, residue mobility, and thermodynamic stability) indicates that this missense variant is not expected to disrupt CDON protein function with a negative predictive value of 80%. In summary, the available evidence is currently insufficient to determine the role of this variant in disease. Therefore, it has been classified as a Variant of Uncertain Significance.